The following is an entry in ClinVar:

NM_024753.5(TTC21B):c.1805C>G (p.Thr602Arg)

Gene: TTC21B (tetratricopeptide repeat domain 21B; minus strand). Cytogenetic location: 2q24.3.
Variant type: single nucleotide variant.
Coding change: c.1805C>G on transcript NM_024753.5 (MANE Select); coding-DNA position 1805, C replaced by G.
Protein change: p.Thr602Arg; replaces threonine 602 with arginine.
Molecular consequence: missense variant.
Genome position (GRCh38, 1-based): chr2:165,917,351, G>C on the plus strand (C>G on the coding strand, the complement: TTC21B is on the minus strand). VCF-style: chr2-165917351-G-C. GRCh37 (hg19) VCF-style: chr2-166773861-G-C.
Other names: short protein forms T602R.
Identifiers: ClinVar variation 4984420 (VCV004984420.1).

ClinVar aggregate classification (germline): Uncertain significance (1 of 4 stars; one submission).

Conditions:
TTC21B-related disorder. Also called: TTC21B-related condition; TTC21B-related disorders.

gnomAD v4.1: 1 of 1,614,148 alleles (0.000062%); highest among the groups gnomAD compares: Non-Finnish European, 0.000085%; no homozygotes.

Submission:

PreventionGenetics, part of Exact Sciences
Classification: Uncertain significance for TTC21B-related condition. Last evaluated: 2026-08-25. Review status: criteria provided, single submitter. Criteria: ACMG Guidelines, 2015. Collection method: clinical testing. Allele origin: germline.
Comment: The TTC21B c.1805C>G variant is predicted to result in the amino acid substitution p.Thr602Arg. To our knowledge, this variant has not been reported in the literature or in a large population database (gnomAD), indicating this variant is rare. At this time, the clinical significance of this variant is uncertain due to the absence of conclusive functional and genetic evidence.